The following is an entry in ClinVar:

ClinVar aggregate classification (germline): Likely pathogenic (1 of 4 stars; one submission).

Conditions:
SRD5A3-congenital disorder of glycosylation. Also called: Congenital disorder of glycosylation type 1Q; CDG Iq; Ocular colobomas, ichthyosis, brain malformations and endocrine abnormalities; SRD5A3-CDG; COLOBOMA, OCULAR, WITH ICHTHYOSIS, BRAIN MALFORMATIONS, AND ENDOCRINE ABNORMALITIES. Identifiers: Orphanet 324737, MedGen C4317224, MONDO:0012885, OMIM 612379.
Kahrizi syndrome (KHRZ). Also called: MENTAL RETARDATION, CATARACT, COLOBOMA, AND KYPHOSIS, AUTOSOMAL RECESSIVE. Identifiers: MedGen C2675185, MONDO:0012991, OMIM 612713.

Submission:

First Genomix Gene Laboratory, Genetic Diagnostics Department
Classification: Likely pathogenic for SRD5A3-congenital disorder of glycosylation; Kahrizi syndrome. Last evaluated: 2025-04-11. Review status: criteria provided, single submitter. Criteria: ACMG Guidelines, 2015. Collection method: clinical testing. Allele origin: germline. Inheritance: Autosomal recessive inheritance. Affected: no. Observed: 1 variant allele.

NM_024592.5(SRD5A3):c.653del (p.Tyr218fs)

Genes: SRD5A3-AS1 (SRD5A3 antisense RNA 1; minus strand), SRD5A3 (steroid 5 alpha-reductase 3; plus strand). Cytogenetic location: 4q12.
Variant type: Deletion.
Coding change: c.653del on transcript NM_024592.5 (MANE Select); coding-DNA position 653, one base deleted (A; older notation c.653delA).
Protein change: p.Tyr218fs; shifts the reading frame from tyrosine 218.
Molecular consequence: frameshift variant. On other transcripts: intron variant (1).
Genome position (GRCh38, 1-based): chr4:55,367,678, A deleted. VCF-style (leftmost placement, unchanged base first): chr4-55367677-TA-T. GRCh37 (hg19) VCF-style: chr4-56233844-TA-T.
Other names: c.653delA (NM_024592.5); c.563-2154del (NM_001410732.1); short protein forms Y218fs.
Identifiers: ClinVar variation 4526599 (VCV004526599.1).